The following is an entry in ClinVar:

ClinVar aggregate classification (germline): Uncertain significance (1 of 4 stars; one submission).

Conditions:
Intellectual developmental disorder, X-linked 30. Also called: MENTAL RETARDATION, X-LINKED 47; Intellectual disability, X-linked 30. Identifiers: Orphanet 777, MedGen C0796237, MONDO:0010361, OMIM 300558.

Submission:

Neuberg Centre For Genomic Medicine, NCGM
Classification: Uncertain significance for Intellectual developmental disorder, X-linked 30. Last evaluated: 2023-05-20. Review status: criteria provided, single submitter. Criteria: ACMG Guidelines, 2015. Collection method: clinical testing. Allele origin: germline. Inheritance: Autosomal recessive inheritance. Affected: yes.
Comment: The observed missense variant c.59G>C (p.Ser20Thr) in the PAK3 gene has not been reported previously as a pathogenic variant nor as a benign variant, to our knowledge. This variant is absent in the gnomAD Exomes. The amino acid Serine at position 20 is changed to a Threonine changing protein sequence and it might alter its composition and physico-chemical properties. Multiple lines of computational evidence (Polyphen - Probably damaging, SIFT - Damaging and MutationTaster - Disease causing) predict a damaging effect on protein structure and function for this variant. The residue is conserved by GERP++ and PhyloP across 100 vertebrates. For these reasons, this variant has been classified as Uncertain Significance.

NM_002578.5(PAK3):c.59G>C (p.Ser20Thr)

Gene: PAK3 (p21 (RAC1) activated kinase 3; plus strand). Cytogenetic location: Xq23.
Variant type: single nucleotide variant.
Coding change: c.59G>C on transcript NM_002578.5 (MANE Select); coding-DNA position 59, G replaced by C.
Protein change: p.Ser20Thr; replaces serine 20 with threonine.
Molecular consequence: missense variant. On other transcripts: non-coding transcript variant (9).
Genome position (GRCh38, 1-based): chrX:111,123,162, G>C. VCF-style: chrX-111123162-G-C. GRCh37 (hg19) VCF-style: chrX-110366390-G-C.
Other names: c.59G>C, p.Ser20Thr (NM_001128166.3, NM_001128167.3, NM_001128168.3 and 12 more transcripts); short protein forms S20T.
Identifiers: ClinVar variation 3341445 (VCV003341445.1).
Genomic context (GRCh38, chrX:111,123,162, plus strand): 5'-AAATGTCTGACGGTCTGGATAATGAAGAGAAACCCCCGGCTCCTCCACTGAGGATGAATA[G>C]TAACAACCGGGATTCTTCAGCACTCAACCACAGCTCCAAACCACTTCCCATGGCCCCTGA-3'
Protein context (NP_002569.1, residues 10-30): KPPAPPLRMN[Ser20Thr]NNRDSSALNH